The following is an entry in ClinVar:

ClinVar aggregate classification (germline): Uncertain significance (1 of 4 stars; one submission).

Allele frequency attached by ClinVar (database versions not stated): TOPMed below 0.00001.

Submission:

Labcorp Genetics (formerly Invitae), Labcorp
Classification: Uncertain significance. Last evaluated: 2023-08-17. Review status: criteria provided, single submitter. Criteria: Invitae Variant Classification Sherloc (09022015). Collection method: clinical testing. Allele origin: germline.
Comment: This sequence change replaces serine, which is neutral and polar, with phenylalanine, which is neutral and non-polar, at codon 593 of the CAD protein (p.Ser593Phe). This variant is not present in population databases (gnomAD no frequency). This variant has not been reported in the literature in individuals affected with CAD-related conditions. ClinVar contains an entry for this variant (Variation ID: 2112605). Advanced modeling of protein sequence and biophysical properties (such as structural, functional, and spatial information, amino acid conservation, physicochemical variation, residue mobility, and thermodynamic stability) performed at Invitae indicates that this missense variant is expected to disrupt CAD protein function. In summary, the available evidence is currently insufficient to determine the role of this variant in disease. Therefore, it has been classified as a Variant of Uncertain Significance.

NM_004341.5(CAD):c.1778C>T (p.Ser593Phe)

Gene: CAD (carbamoyl-phosphate synthetase 2, aspartate transcarbamylase, and dihydroorotase; plus strand). Cytogenetic location: 2p23.3.
Variant type: single nucleotide variant.
Coding change: c.1778C>T on transcript NM_004341.5 (MANE Select); coding-DNA position 1778, C replaced by T.
Protein change: p.Ser593Phe; replaces serine 593 with phenylalanine.
Molecular consequence: missense variant.
Genome position (GRCh38, 1-based): chr2:27,225,862, C>T. VCF-style: chr2-27225862-C-T. GRCh37 (hg19) VCF-style: chr2-27448730-C-T.
Other names: c.1778C>T, p.Ser593Phe (NM_001306079.2); short protein forms S593F.
Identifiers: ClinVar variation 2112605 (VCV002112605.4), dbSNP rs1675424434, ClinGen allele CA346206269.